The following is an entry in ClinVar:

ClinVar aggregate classification (germline): Conflicting classifications of pathogenicity. Review status: criteria provided, conflicting classifications (1 of 4 stars). 7 submissions from 7 submitters: Uncertain significance (6); Likely benign (1). Last evaluated 2026-09-09.

Conditions:
Inborn genetic diseases. Identifiers: MedGen C0950123, MeSH D030342.
LARS2-related disorder. Also called: LARS2-related condition.

Allele frequency attached by ClinVar (database versions not stated): TOPMed 0.00019; gnomAD 0.00021 and 0.00022; gnomAD exomes 0.00004 and 0.00005; ExAC 0.00009; ESP Exome Variant Server 0.00015.
gnomAD v4.1: 114 of 1,614,136 alleles (0.0071%); highest among the groups gnomAD compares: Middle Eastern, 0.12%; no homozygotes.

Submissions (7):

PreventionGenetics, part of Exact Sciences
Classification: Uncertain significance for LARS2-related condition. Last evaluated: 2026-09-09. Review status: criteria provided, single submitter. Criteria: ACMG Guidelines, 2015. Collection method: clinical testing. Allele origin: germline.
Comment: The LARS2 c.1947C>A variant is predicted to result in the amino acid substitution p.Asp649Glu. This variant has been reported in the heterozygous state along with a second variant in LARS2 (c.2572C>A, p.Gln858Lys) in an individual with mitochondrial disease and was also reported in an individual with primary ovarian insufficiency (Nogueira et al 2019. PubMed ID: 30831263; Table S3, Nogueira et al. 2024. PubMed ID: 38465286). This variant is reported in 0.044% of alleles in individuals of African descent in gnomAD. At this time, the clinical significance of this variant is uncertain due to the absence of conclusive functional and genetic evidence.

Women's Health and Genetics/Laboratory Corporation of America, LabCorp
Classification: Uncertain significance. Last evaluated: 2025-11-03. Review status: criteria provided, single submitter. Criteria: LabCorp Variant Classification Summary - May 2015. Collection method: clinical testing. Allele origin: germline.
Comment: Variant summary: LARS2 c.1947C>A (p.Asp649Glu) results in a conservative amino acid change in the encoded protein sequence. Algorithms developed to predict the effect of missense changes on protein structure and function are either unavailable or do not agree on the potential impact of this missense change. The variant allele was found at a frequency of 3.6e-05 in 251472 control chromosomes. The available data on variant occurrences in the general population are insufficient to allow any conclusion about variant significance. c.1947C>A has been observed inan individual affected with suspected mitochondriam disorder without clear evidence for causality (Nogueira_2019, Nogueira_2024). These reports do not provide unequivocal conclusions about association of the variant with LARS2-Related Disorders. To our knowledge, no experimental evidence demonstrating an impact on protein function has been reported. The following publications have been ascertained in the context of this evaluation (PMID: 38465286, 30831263). ClinVar contains an entry for this variant (Variation ID: 504797). Based on the evidence outlined above, the variant was classified as uncertain significance.

GeneDx
Classification: Uncertain significance. Last evaluated: 2025-10-01. Review status: criteria provided, single submitter. Criteria: GeneDx Variant Classification Process June 2021. Collection method: clinical testing. Allele origin: germline. Affected: yes.
Comment: Identified with p.(Q858K) in LARS2 in a patient with suspected mitochondrial disease and in a patient with primary ovarian insufficiency; the phase of these variants was not reported (PMID: 30831263, 36099812); In silico analysis supports that this missense variant has a deleterious effect on protein structure/function; This variant is associated with the following publications: (PMID: 36099812, 30831263, 38465286)

Labcorp Genetics (formerly Invitae), Labcorp
Classification: Uncertain significance. Last evaluated: 2022-08-21. Review status: criteria provided, single submitter. Criteria: Invitae Variant Classification Sherloc (09022015). Collection method: clinical testing. Allele origin: germline.
Comment: This sequence change replaces aspartic acid, which is acidic and polar, with glutamic acid, which is acidic and polar, at codon 649 of the LARS2 protein (p.Asp649Glu). This variant is present in population databases (rs143155251, gnomAD 0.05%). This missense change has been observed in individual(s) with mitochondrial disease (PMID: 30831263). ClinVar contains an entry for this variant (Variation ID: 504797). Algorithms developed to predict the effect of missense changes on protein structure and function output the following: SIFT: "Tolerated"; PolyPhen-2: "Benign"; Align-GVGD: "Class C0". The glutamic acid amino acid residue is found in multiple mammalian species, which suggests that this missense change does not adversely affect protein function. In summary, the available evidence is currently insufficient to determine the role of this variant in disease. Therefore, it has been classified as a Variant of Uncertain Significance.

Ambry Genetics
Classification: Uncertain significance for Inborn genetic diseases. Last evaluated: 2022-05-13. Review status: criteria provided, single submitter. Criteria: Ambry Variant Classification Scheme 2023. Collection method: clinical testing. Allele origin: germline.

Revvity Omics, Revvity
Classification: Uncertain significance. Last evaluated: 2021-03-12. Review status: criteria provided, single submitter. Criteria: ACMG Guidelines, 2015. Collection method: clinical testing. Allele origin: germline.

Laboratory for Molecular Medicine, Mass General Brigham Personalized Medicine
Classification: Likely benign. Last evaluated: 2016-06-28. Review status: criteria provided, single submitter. Criteria: LMM Criteria. Collection method: clinical testing. Allele origin: germline. Observed: 1 variant allele.
Comment: p.Asp649Glu in exon 17 of LARS2: This variant is not expected to have clinical s ignificance due to a lack of conservation across species, including mammals. Of note, >5 mammals have a glutamic acid (Glu) at this position despite high nearby amino acid conservation. In addition, computational prediction tools do not sug gest a high likelihood of impact to the protein. This variant has been identifie d in 4/66738 European chromosomes by the Exome Aggregation Consortium (ExAC; dbSNP rs143155251).

Literature cited by the submitters: PubMed 30831263 (cited by 3 submitters); PubMed 38465286 (cited by Women's Health and Genetics/Laboratory Corporation of America, LabCorp).

NM_015340.4(LARS2):c.1947C>A (p.Asp649Glu)

Gene: LARS2 (leucyl-tRNA synthetase 2, mitochondrial; plus strand). Cytogenetic location: 3p21.31.
Variant type: single nucleotide variant.
Coding change: c.1947C>A on transcript NM_015340.4 (MANE Select); coding-DNA position 1947, C replaced by A.
Protein change: p.Asp649Glu; replaces aspartic acid 649 with glutamic acid.
Molecular consequence: missense variant.
Genome position (GRCh38, 1-based): chr3:45,516,179, C>A. VCF-style: chr3-45516179-C-A. GRCh37 (hg19) VCF-style: chr3-45557671-C-A.
Other names: c.1947C>A, p.Asp649Glu (NM_001368263.1); short protein forms D649E.
Identifiers: ClinVar variation 504797 (VCV000504797.18), dbSNP rs143155251, ClinGen allele CA2349732.